The following is an entry in ClinVar:

NM_032119.4(ADGRV1):c.3598A>G (p.Asn1200Asp)

Gene: ADGRV1 (adhesion G protein-coupled receptor V1; plus strand). Cytogenetic location: 5q14.3.
Variant type: single nucleotide variant.
Coding change: c.3598A>G on transcript NM_032119.4 (MANE Select); coding-DNA position 3598, A replaced by G.
Protein change: p.Asn1200Asp; replaces asparagine 1200 with aspartic acid.
Molecular consequence: missense variant. On other transcripts: non-coding transcript variant (1).
Genome position (GRCh38, 1-based): chr5:90,652,527, A>G. VCF-style: chr5-90652527-A-G. GRCh37 (hg19) VCF-style: chr5-89948344-A-G.
Other names: c.3598A>G (NM_032119.3); short protein forms N1200D.
Identifiers: ClinVar variation 1429140 (VCV001429140.5), dbSNP rs562816352, ClinGen allele CA121839435.

ClinVar aggregate classification (germline): Uncertain significance. Review status: criteria provided, multiple submitters, no conflicts (2 of 4 stars). 2 submissions from 2 submitters: Uncertain significance (2). Last evaluated 2023-08-03.

Allele frequency attached by ClinVar (database versions not stated): gnomAD 0.00003.
gnomAD v4.1: 4 of 1,611,928 alleles (0.00025%); highest among the groups gnomAD compares: East Asian, 0.0089%; 1 homozygote.

Submissions (2):

GeneDx
Classification: Uncertain significance. Last evaluated: 2023-08-03. Review status: criteria provided, single submitter. Criteria: GeneDx Variant Classification Process June 2021. Collection method: clinical testing. Allele origin: germline. Affected: yes.
Comment: Not observed at significant frequency in large population cohorts (gnomAD); In silico analysis supports that this missense variant does not alter protein structure/function; Has not been previously published as pathogenic or benign to our knowledge

Labcorp Genetics (formerly Invitae), Labcorp
Classification: Uncertain significance. Last evaluated: 2022-08-16. Review status: criteria provided, single submitter. Criteria: Invitae Variant Classification Sherloc (09022015). Collection method: clinical testing. Allele origin: germline.
Comment: In summary, the available evidence is currently insufficient to determine the role of this variant in disease. Therefore, it has been classified as a Variant of Uncertain Significance. Algorithms developed to predict the effect of missense changes on protein structure and function are either unavailable or do not agree on the potential impact of this missense change (SIFT: "Deleterious"; PolyPhen-2: "Possibly Damaging"; Align-GVGD: "Class C0"). ClinVar contains an entry for this variant (Variation ID: 1429140). This variant has not been reported in the literature in individuals affected with ADGRV1-related conditions. This variant is not present in population databases (gnomAD no frequency). This sequence change replaces asparagine, which is neutral and polar, with aspartic acid, which is acidic and polar, at codon 1200 of the ADGRV1 protein (p.Asn1200Asp).